The following is an entry in ClinVar:

ClinVar aggregate classification (germline): Uncertain significance. Review status: criteria provided, multiple submitters, no conflicts (2 of 4 stars). 2 submissions from 2 submitters: Uncertain significance (2). Last evaluated 2023-12-22.

Conditions:
Combined oxidative phosphorylation defect type 11. Also called: ENCEPHALONEUROMYOPATHY, INFANTILE, DUE TO MITOCHONDRIAL TRANSLATION DEFECT; Combined oxidative phosphorylation deficiency 11. Identifiers: Orphanet 324535, MedGen C5190991, MONDO:0013969, OMIM 614922.

Allele frequency attached by ClinVar (database versions not stated): TOPMed 0.00003; gnomAD 0.00004 and 0.00007; ExAC 0.00009; gnomAD exomes 0.00010; 1000 Genomes Project 0.00060; 1000 Genomes Project 30x 0.00062.
gnomAD v4.1: 61 of 1,606,760 alleles (0.0038%); highest among the groups gnomAD compares: East Asian, 0.13%; no homozygotes.

Submissions (2):

Fulgent Genetics
Classification: Uncertain significance for Combined oxidative phosphorylation defect type 11. Last evaluated: 2023-12-22. Review status: criteria provided, single submitter. Criteria: ACMG Guidelines, 2015. Collection method: clinical testing. Allele origin: germline.

GeneDx
Classification: Uncertain significance. Last evaluated: 2022-02-21. Review status: criteria provided, single submitter. Criteria: GeneDx Variant Classification Process June 2021. Collection method: clinical testing. Allele origin: germline. Affected: yes.
Comment: In silico analysis supports that this missense variant has a deleterious effect on protein structure/function; Has not been previously published as pathogenic or benign to our knowledge

NM_017909.4(RMND1):c.1098T>G (p.Ser366Arg)

Gene: RMND1 (required for meiotic nuclear division 1 homolog; minus strand). Cytogenetic location: 6q25.1.
Variant type: single nucleotide variant.
Coding change: c.1098T>G on transcript NM_017909.4 (MANE Select); coding-DNA position 1098, T replaced by G.
Protein change: p.Ser366Arg; replaces serine 366 with arginine.
Molecular consequence: missense variant.
Genome position (GRCh38, 1-based): chr6:151,417,381, A>C on the plus strand (T>G on the coding strand, the complement: RMND1 is on the minus strand). VCF-style: chr6-151417381-A-C. GRCh37 (hg19) VCF-style: chr6-151738516-A-C.
Other names: c.588T>G, p.Ser196Arg (NM_001271937.2); short protein forms S196R, S366R.
Identifiers: ClinVar variation 1342046 (VCV001342046.3), dbSNP rs190485049, ClinGen allele CA4050800.